The following is an entry in ClinVar:

NR_002757.3(RNU5B-1):n.42_43insA

Genes: RNU5B-1 (RNA, U5B small nuclear 1; plus strand), LOC130057317 (ATAC-STARR-seq lymphoblastoid silent region 6555; plus strand). Cytogenetic location: 15q22.31.
Variant type: Insertion.
Molecular consequence: non-coding transcript variant (on NR_002757.3).
Genome position: GRCh38 VCF-style: chr15-65304718-T-TA. GRCh37 (hg19) VCF-style: chr15-65597056-T-TA.
Identifiers: ClinVar variation 3766433 (VCV003766433.2).

ClinVar aggregate classification (germline): Likely pathogenic (1 of 4 stars; one submission).

Conditions:
RNU5B-1 related disorder.

Submission:

Institute for Human Genetics, University Hospital Essen
Classification: Likely pathogenic for RNU5B-1 related disorder. Last evaluated: 2005-03-05. Review status: criteria provided, single submitter. Criteria: ACMG Guidelines, 2015. Collection method: clinical testing. Allele origin: de novo. Inheritance: Autosomal dominant inheritance. Affected: yes.
Comment: PM2_supp, PS2, PS4_supp